The following is an entry in ClinVar:

ClinVar aggregate classification (germline): Uncertain significance. Review status: criteria provided, multiple submitters, no conflicts (2 of 4 stars). 2 submissions from 2 submitters: Uncertain significance (2). Last evaluated 2025-10-30.

Conditions:
Inborn genetic diseases. Identifiers: MedGen C0950123, MeSH D030342.
Juvenile onset Parkinson disease 19A. Also called: DNAJC6 Parkinson Disease; PARK19. Identifiers: Orphanet 391411, MedGen C3809811, MONDO:0014231, OMIM 615528.

Allele frequency attached by ClinVar (database versions not stated): TOPMed 0.00002; ExAC 0.00003; gnomAD 0.00003; gnomAD exomes 0.00003 and 0.00004.
gnomAD v4.1: 57 of 1,516,852 alleles (0.0038%); highest among the groups gnomAD compares: African/African-American, 0.0043%; no homozygotes.

Submissions (2):

Ambry Genetics
Classification: Uncertain significance for Inborn genetic diseases. Last evaluated: 2025-10-30. Review status: criteria provided, single submitter. Criteria: Ambry Variant Classification Scheme 2023. Collection method: clinical testing. Allele origin: germline.

Labcorp Genetics (formerly Invitae), Labcorp
Classification: Uncertain significance for Juvenile onset Parkinson disease 19A. Last evaluated: 2019-08-29. Review status: criteria provided, single submitter. Criteria: Invitae Variant Classification Sherloc (09022015). Collection method: clinical testing. Allele origin: germline.
Comment: Algorithms developed to predict the effect of missense changes on protein structure and function (SIFT, PolyPhen-2, Align-GVGD) all suggest that this variant is likely to be tolerated, but these predictions have not been confirmed by published functional studies and their clinical significance is uncertain. This sequence change replaces alanine with valine at codon 226 of the DNAJC6 protein (p.Ala226Val). The alanine residue is moderately conserved and there is a small physicochemical difference between alanine and valine. This variant is present in population databases (rs776225529, ExAC 0.01%). This variant has not been reported in the literature in individuals with DNAJC6-related conditions. In summary, the available evidence is currently insufficient to determine the role of this variant in disease. Therefore, it has been classified as a Variant of Uncertain Significance.

NM_001256864.2(DNAJC6):c.677C>T (p.Ala226Val)

Gene: DNAJC6 (DnaJ heat shock protein family (Hsp40) member C6; plus strand). Cytogenetic location: 1p31.3.
Variant type: single nucleotide variant.
Coding change: c.677C>T on transcript NM_001256864.2 (MANE Select); coding-DNA position 677, C replaced by T.
Protein change: p.Ala226Val; replaces alanine 226 with valine.
Molecular consequence: missense variant.
Genome position (GRCh38, 1-based): chr1:65,384,203, C>T. VCF-style: chr1-65384203-C-T. GRCh37 (hg19) VCF-style: chr1-65849886-C-T.
Other names: c.467C>T, p.Ala156Val (NM_001256865.2); c.506C>T, p.Ala169Val (NM_014787.4); c.506C>T (NM_014787.2); short protein forms A169V, A156V, A226V.
Identifiers: ClinVar variation 935514 (VCV000935514.10), dbSNP rs776225529, ClinGen allele CA893734.
Genomic context (GRCh38, chr1:65,384,203, plus strand): 5'-ATGGCTGATTTGATCATGTTCATAATGATTTTATGCATTTTCTTTGACAGGATGGACGGG[C>T]GGCATCATCAATTCTGGTTGGTGCTATGTTCATTTTCTGTAATCTCTACTCTACTCCTGG-3'
Protein context (NP_001243793.1, residues 216-236): VCVVHCLDGR[Ala226Val]ASSILVGAMF